The following is an entry in ClinVar:

ClinVar aggregate classification (germline): Pathogenic (1 of 4 stars; one submission).

Submission:

ARUP Laboratories, Molecular Genetics and Genomics, ARUP Laboratories
Classification: Pathogenic. Last evaluated: 2025-01-02. Review status: criteria provided, single submitter. Criteria: ARUP Molecular Germline Variant Investigation Process 2024. Collection method: clinical testing. Allele origin: germline.
Comment: The SPTB c.2805del; p.Arg935SerfsTer27 variant, to our knowledge, is not reported in the medical literature or gene specific databases. This variant is also absent from the Genome Aggregation Database (v2.1.1), indicating it is not a common polymorphism. This variant causes a frameshift by deleting a single nucleotide, so it is predicted to result in a truncated protein or mRNA subject to nonsense-mediated decay. Additionally, several downstream truncating variants have been described in individuals with hereditary spherocytosis and are considered disease causing (Park 2016, Wang 2024). Based on available information, this variant is considered to be pathogenic. References: Park J et al. Mutational characteristics of ANK1 and SPTB genes in hereditary spherocytosis. Clin Genet. 2016 Jul;90(1):69-78. PMID: 26830532. Wang Y et al. A novel variant in the SPTB gene underlying hereditary spherocytosis and a literature review of previous variants. BMC Med Genomics. 2024 Aug 12;17(1):206. PMID: 39135028.

NC_000014.9:g.64787161del

Gene: SPTB (spectrin beta, erythrocytic; minus strand). Cytogenetic location: 14q23.3.
Variant type: Deletion.
Genome position: GRCh38 VCF-style: chr14-64787159-AC-A. GRCh37 (hg19) VCF-style: chr14-65253877-AC-A.
Identifiers: ClinVar variation 4685913 (VCV004685913.1).